The following is an entry in ClinVar:

ClinVar aggregate classification (germline): Uncertain significance. Review status: criteria provided, multiple submitters, no conflicts (2 of 4 stars). 3 submissions from 3 submitters: Uncertain significance (3). Last evaluated 2024-12-12.

Conditions:
Familial cold autoinflammatory syndrome 3 (FCAS3). Also called: FAMILIAL ATYPICAL COLD URTICARIA; ANTIBODY DEFICIENCY AND IMMUNE DYSREGULATION, PLCG2-ASSOCIATED. Identifiers: Orphanet 300359, MedGen C3280914, MONDO:0013766, OMIM 614468.

Allele frequency attached by ClinVar (database versions not stated): TOPMed below 0.00001; ExAC 0.00001; gnomAD exomes 0.00001.
gnomAD v4.1: 8 of 1,614,086 alleles (0.0005%); highest among the groups gnomAD compares: Middle Eastern, 0.016%; no homozygotes.

Submissions (3):

Labcorp Genetics (formerly Invitae), Labcorp
Classification: Uncertain significance for Familial cold autoinflammatory syndrome 3. Last evaluated: 2024-12-12. Review status: criteria provided, single submitter. Criteria: Invitae Variant Classification Sherloc (09022015). Collection method: clinical testing. Allele origin: germline.
Comment: This sequence change replaces phenylalanine, which is neutral and non-polar, with leucine, which is neutral and non-polar, at codon 1131 of the PLCG2 protein (p.Phe1131Leu). This variant is present in population databases (rs754374903, gnomAD 0.002%). This missense change has been observed in individual(s) with recurrent fever (PMID: 36703223, 37769878). ClinVar contains an entry for this variant (Variation ID: 649892). An algorithm developed to predict the effect of missense changes on protein structure and function (PolyPhen-2) suggests that this variant is likely to be disruptive. Experimental studies have shown that this missense change does not substantially affect PLCG2 function (PMID: 37769878). In summary, the available evidence is currently insufficient to determine the role of this variant in disease. Therefore, it has been classified as a Variant of Uncertain Significance.

Dubai Health Genomic Medicine Center, Dubai Health
Classification: Uncertain significance. Last evaluated: 2022-12-17. Review status: criteria provided, single submitter. Criteria: ACMG Guidelines, 2015. Collection method: clinical testing. Allele origin: germline. Affected: yes.

CeGaT Center for Human Genetics Tuebingen
Classification: Uncertain significance. Last evaluated: 2022-10-01. Review status: criteria provided, single submitter. Criteria: CeGaT Center For Human Genetics Tuebingen Variant Classification Criteria Version 2. Collection method: clinical testing. Allele origin: germline. Affected: yes. Observed: 1 variant allele.

Literature cited by the submitters: PubMed 36703223 (cited by Labcorp Genetics (formerly Invitae), Labcorp); PubMed 37769878 (cited by Labcorp Genetics (formerly Invitae), Labcorp).

NM_002661.5(PLCG2):c.3393T>A (p.Phe1131Leu)

Gene: PLCG2 (phospholipase C gamma 2; plus strand). Cytogenetic location: 16q23.3.
Variant type: single nucleotide variant.
Coding change: c.3393T>A on transcript NM_002661.5 (MANE Select); coding-DNA position 3393, T replaced by A.
Protein change: p.Phe1131Leu; replaces phenylalanine 1131 with leucine.
Molecular consequence: missense variant.
Genome position (GRCh38, 1-based): chr16:81,939,971, T>A. VCF-style: chr16-81939971-T-A. GRCh37 (hg19) VCF-style: chr16-81973576-T-A.
Other names: short protein forms F1131L.
Identifiers: ClinVar variation 649892 (VCV000649892.34), dbSNP rs754374903, ClinGen allele CA8194704.